The following is an entry in ClinVar:

ClinVar aggregate classification (germline): Benign/Likely benign. Review status: criteria provided, multiple submitters, no conflicts (2 of 4 stars). 4 submissions from 3 submitters: Benign (1); Likely benign (3). Last evaluated 2023-02-08.

Conditions:
Qualitative or quantitative defects of delta-sarcoglycan. Identifiers: Orphanet 207070, MedGen C5680806, MONDO:0016144.
Autosomal recessive limb-girdle muscular dystrophy type 2F (LGMDR6). Also called: MUSCULAR DYSTROPHY, LIMB-GIRDLE, AUTOSOMAL RECESSIVE 6; Muscular dystrophy limb-girdle with delta-sarcoglyan deficiency. Identifiers: Orphanet 219, MedGen C1832525, MONDO:0011028, OMIM 601287. Disease mechanism: Affects gamma-sarcoglycan and also disrupts the integrity of the entire sarcoglycan complex..
Dilated cardiomyopathy 1L (CMD1L). Identifiers: Orphanet 154, MedGen C1847667, MONDO:0011702, OMIM 606685.

Allele frequency attached by ClinVar (database versions not stated): 1000 Genomes Project 0.01038; 1000 Genomes Project 30x 0.01093; gnomAD 0.01209 and 0.01308; TOPMed 0.01440.

Submissions (4):

Genome-Nilou Lab
Classification: Likely benign for Autosomal recessive limb-girdle muscular dystrophy type 2F. Last evaluated: 2023-02-08. Review status: criteria provided, single submitter. Criteria: ACMG Guidelines, 2015. Collection method: clinical testing. Allele origin: germline.

Genome-Nilou Lab
Classification: Likely benign for Dilated cardiomyopathy 1L. Last evaluated: 2023-02-08. Review status: criteria provided, single submitter. Criteria: ACMG Guidelines, 2015. Collection method: clinical testing. Allele origin: germline.

GeneDx
Classification: Likely benign. Last evaluated: 2021-09-04. Review status: criteria provided, single submitter. Criteria: GeneDx Variant Classification Process June 2021. Collection method: clinical testing. Allele origin: germline. Affected: yes.

Illumina Laboratory Services, Illumina
Classification: Benign for Qualitative or quantitative defects of delta-sarcoglycan. Last evaluated: 2018-01-12. Review status: criteria provided, single submitter. Criteria: ICSL Variant Classification Criteria 13 December 2019. Collection method: clinical testing. Allele origin: germline.
Comment: This variant was observed in the ICSL laboratory as part of a predisposition screen in an ostensibly healthy population. It had not been previously curated by ICSL or reported in the Human Gene Mutation Database (HGMD: prior to June 1st, 2018), and was therefore a candidate for classification through an automated scoring system. Utilizing variant allele frequency, disease prevalence and penetrance estimates, and inheritance mode, an automated score was calculated to assess if this variant is too frequent to cause the disease. Based on the score and internal cut-off values, a variant classified as benign is not then subjected to further curation. The score for this variant resulted in a classification of benign for this disease.

NM_000337.6(SGCD):c.*3898C>T

Gene: SGCD (sarcoglycan delta; plus strand). Cytogenetic location: 5q33.3.
Variant type: single nucleotide variant.
Coding change: c.*3898C>T on transcript NM_000337.6 (MANE Select); 3898 bases downstream of the stop codon, C replaced by T.
Molecular consequence: 3 prime UTR variant.
Genome position (GRCh38, 1-based): chr5:156,763,288, C>T. VCF-style: chr5-156763288-C-T. GRCh37 (hg19) VCF-style: chr5-156190299-C-T.
Other names: c.*3898C>T (NM_001128209.2).
Identifiers: ClinVar variation 352379 (VCV000352379.8), dbSNP rs74717343, ClinGen allele CA10619796.
Genomic context (GRCh38, chr5:156,763,288, plus strand): 5'-TATTCATTAAAGTTTTCCACTTCACCCTCCCATAGTCTAGAGGGATGCCCATTCCATGGT[C>T]CTCCAGAGAATAGTTTTGACTTAACATGTCTGTTTAGCCCACATCACGTCAGTTATCAAC-3'